The following is an entry in ClinVar:

NM_003126.4(SPTA1):c.3614C>T (p.Ala1205Val)

Gene: SPTA1 (spectrin alpha, erythrocytic 1; minus strand). Cytogenetic location: 1q23.1.
Variant type: single nucleotide variant.
Coding change: c.3614C>T on transcript NM_003126.4 (MANE Select); coding-DNA position 3614, C replaced by T.
Protein change: p.Ala1205Val; replaces alanine 1205 with valine.
Molecular consequence: missense variant.
Genome position (GRCh38, 1-based): chr1:158,648,609, G>A on the plus strand (C>T on the coding strand, the complement: SPTA1 is on the minus strand). VCF-style: chr1-158648609-G-A. GRCh37 (hg19) VCF-style: chr1-158618399-G-A.
Other names: short protein forms A1205V.
Identifiers: ClinVar variation 3691033 (VCV003691033.2).

ClinVar aggregate classification (germline): Uncertain significance (1 of 4 stars; one submission).

Submission:

Labcorp Genetics (formerly Invitae), Labcorp
Classification: Uncertain significance. Last evaluated: 2024-11-17. Review status: criteria provided, single submitter. Criteria: Invitae Variant Classification Sherloc (09022015). Collection method: clinical testing. Allele origin: germline.
Comment: This sequence change replaces alanine, which is neutral and non-polar, with valine, which is neutral and non-polar, at codon 1205 of the SPTA1 protein (p.Ala1205Val). This variant is not present in population databases (gnomAD no frequency). This variant has not been reported in the literature in individuals affected with SPTA1-related conditions. Invitae Evidence Modeling of protein sequence and biophysical properties (such as structural, functional, and spatial information, amino acid conservation, physicochemical variation, residue mobility, and thermodynamic stability) indicates that this missense variant is not expected to disrupt SPTA1 protein function with a negative predictive value of 80%. In summary, the available evidence is currently insufficient to determine the role of this variant in disease. Therefore, it has been classified as a Variant of Uncertain Significance.